The following is an entry in ClinVar:

ClinVar aggregate classification (germline): Uncertain significance (1 of 4 stars; one submission).

Conditions:
Chédiak-Higashi syndrome (CHS). Also called: Chediak-Higashi Syndrome. Identifiers: Orphanet 167, MedGen C0007965, MONDO:0008963, OMIM 214500.

Submission:

Labcorp Genetics (formerly Invitae), Labcorp
Classification: Uncertain significance for Chédiak-Higashi syndrome. Last evaluated: 2022-06-08. Review status: criteria provided, single submitter. Criteria: Invitae Variant Classification Sherloc (09022015). Collection method: clinical testing. Allele origin: germline.
Comment: In summary, the available evidence is currently insufficient to determine the role of this variant in disease. Therefore, it has been classified as a Variant of Uncertain Significance. Variants that disrupt the consensus splice site are a relatively common cause of aberrant splicing (PMID: 17576681, 9536098). Algorithms developed to predict the effect of sequence changes on RNA splicing suggest that this variant is not likely to affect RNA splicing. This variant has not been reported in the literature in individuals affected with LYST-related conditions. This variant is not present in population databases (gnomAD no frequency). This sequence change falls in intron 43 of the LYST gene. It does not directly change the encoded amino acid sequence of the LYST protein. It affects a nucleotide within the consensus splice site.

Literature cited by the submitters: PubMed 17576681; PubMed 9536098.

NM_000081.4(LYST):c.9925+3A>G

Gene: LYST (lysosomal trafficking regulator; minus strand). Cytogenetic location: 1q42.3.
Variant type: single nucleotide variant.
Coding change: c.9925+3A>G on transcript NM_000081.4 (MANE Select); 3 bases into the intron after coding-DNA position 9925, A replaced by G.
Molecular consequence: intron variant.
Genome position (GRCh38, 1-based): chr1:235,712,054, T>C on the plus strand (A>G on the coding strand, the complement: LYST is on the minus strand). VCF-style: chr1-235712054-T-C. GRCh37 (hg19) VCF-style: chr1-235875354-T-C.
Other names: c.9925+3A>G (NM_001301365.1).
Identifiers: ClinVar variation 2096802 (VCV002096802.4), dbSNP rs2527380427, ClinGen allele CA2580062307.